The following is an entry in ClinVar:

ClinVar aggregate classification (germline): Likely pathogenic (1 of 4 stars; one submission).

Conditions:
VWF-related disorder. Also called: VWF-related condition; VWF-related disorders.

Submission:

PreventionGenetics, part of Exact Sciences
Classification: Likely pathogenic for VWF-related condition. Last evaluated: 2025-02-05. Review status: criteria provided, single submitter. Criteria: ACMG Guidelines, 2015. Collection method: clinical testing. Allele origin: germline.
Comment: The VWF c.43delC variant is predicted to result in a frameshift and premature protein termination (p.Leu15Serfs*68). To our knowledge, this variant has not been reported in the literature or in a large population database (gnomAD), indicating this variant is rare. Frameshift variants in VWF are expected to be pathogenic. This variant is interpreted as likely pathogenic.

NM_000552.5(VWF):c.43del (p.Leu15fs)

Gene: VWF (von Willebrand factor; minus strand). Cytogenetic location: 12p13.31.
Variant type: Deletion.
Coding change: c.43del on transcript NM_000552.5 (MANE Select); coding-DNA position 43, one base deleted (C; older notation c.43delC).
Protein change: p.Leu15fs; shifts the reading frame from leucine 15.
Molecular consequence: frameshift variant.
Genome position (GRCh38, 1-based): chr12:6,123,154, G deleted on the plus strand (C on the coding strand, the reverse complement: VWF is on the minus strand); the first of 3 consecutive G bases (chr12:6,123,154-6,123,156); deleting any one gives the same sequence. VCF-style (leftmost placement, unchanged base first): chr12-6123153-AG-A. GRCh37 (hg19) VCF-style: chr12-6232319-AG-A.
Other names: short protein forms L15fs.
Identifiers: ClinVar variation 4999800 (VCV004999800.1).